The following is an entry in ClinVar:

NM_000051.4(ATM):c.6441del (p.Lys2148fs)

Genes: ATM (ATM serine/threonine kinase; plus strand), C11orf65 (chromosome 11 open reading frame 65; minus strand). Cytogenetic location: 11q22.3.
Variant type: Deletion.
Coding change: c.6441del on transcript NM_000051.4 (MANE Select); coding-DNA position 6441, one base deleted (C; older notation c.6441delC).
Protein change: p.Lys2148fs; shifts the reading frame from lysine 2148.
Molecular consequence: frameshift variant. On other transcripts: intron variant (2).
Genome position (GRCh38, 1-based): chr11:108,320,047, C deleted. VCF-style (leftmost placement, unchanged base first): chr11-108320046-TC-T. GRCh37 (hg19) VCF-style: chr11-108190773-TC-T.
Other names: c.6441del, p.Lys2148fs (NM_001351834.2); c.641-10976del (NM_001330368.2); c.*39-10976del (NM_001351110.2); short protein forms K2148fs.
Identifiers: ClinVar variation 3148526 (VCV003148526.1), dbSNP rs2547147935, ClinGen allele CA2825001864.

ClinVar aggregate classification (germline): Pathogenic (1 of 4 stars; one submission).

Conditions:
Familial cancer of breast. Also called: hereditary breast carcinoma; BREAST CANCER, FAMILIAL; Hereditary breast cancer. Identifiers: Orphanet 227535, MedGen C0346153, MONDO:0016419, OMIM 114480. Disease mechanism: loss of function.

Submission:

Myriad Genetics, Inc.
Classification: Pathogenic for Familial cancer of breast. Last evaluated: 2024-01-29. Review status: criteria provided, single submitter. Criteria: Myriad Autosomal Dominant, Autosomal Recessive and X-Linked Classification Criteria (2023). Collection method: clinical testing. Allele origin: unknown.
Comment: This variant is considered pathogenic. This variant creates a frameshift predicted to result in premature protein truncation.